The following is an entry in ClinVar:

NM_001048174.2(MUTYH):c.691T>G (p.Ser231Ala)

Gene: MUTYH (mutY DNA glycosylase; minus strand). Cytogenetic location: 1p34.1.
Variant type: single nucleotide variant.
Coding change: c.691T>G on transcript NM_001048174.2 (MANE Select); coding-DNA position 691, T replaced by G.
Protein change: p.Ser231Ala; replaces serine 231 with alanine.
Molecular consequence: missense variant. On other transcripts: non-coding transcript variant (2).
Genome position (GRCh38, 1-based): chr1:45,332,404, A>C on the plus strand (T>G on the coding strand, the complement: MUTYH is on the minus strand). VCF-style: chr1-45332404-A-C. GRCh37 (hg19) VCF-style: chr1-45798076-A-C.
Other names: c.691T>G, p.Ser231Ala (NM_001048171.2, NM_001048173.2, NM_001293195.2); c.694T>G, p.Ser232Ala (NM_001048172.2); c.775T>G, p.Ser259Ala (NM_001128425.2); c.736T>G, p.Ser246Ala (NM_001293190.2); c.724T>G, p.Ser242Ala (NM_001293191.2); c.415T>G, p.Ser139Ala (NM_001293192.2, NM_001293196.2); c.346T>G, p.Ser116Ala (NM_001350650.2, NM_001350651.2); c.766T>G, p.Ser256Ala (NM_012222.3); short protein forms S116A, S139A, S246A, S259A, S232A, S256A, S231A, S242A.
Identifiers: ClinVar variation 918380 (VCV000918380.5), dbSNP rs1645076048, ClinGen allele CA340134773.

ClinVar aggregate classification (germline): Uncertain significance. Review status: criteria provided, multiple submitters, no conflicts (2 of 4 stars). 2 submissions from 2 submitters: Uncertain significance (2). Last evaluated 2025-08-27.

Conditions:
Hereditary cancer-predisposing syndrome. Also called: Neoplastic Syndromes, Hereditary; Tumor predisposition; Hereditary Cancer Syndrome; Hereditary neoplastic syndrome. Identifiers: Orphanet 140162, MedGen C0027672, MeSH D009386, MONDO:0015356.

Submissions (2):

Ambry Genetics
Classification: Uncertain significance for Hereditary cancer-predisposing syndrome. Last evaluated: 2025-08-27. Review status: criteria provided, single submitter. Criteria: Ambry Variant Classification Scheme 2023. Collection method: clinical testing. Allele origin: germline.
Comment: The p.S259A variant (also known as c.775T>G), located in coding exon 9 of the MUTYH gene, results from a T to G substitution at nucleotide position 775. The serine at codon 259 is replaced by alanine, an amino acid with similar properties. This amino acid position is conserved. In addition, this alteration is predicted to be tolerated by in silico analysis. Based on the available evidence, the clinical significance of this variant remains unclear.

Color Diagnostics, LLC DBA Color Health
Classification: Uncertain significance for Hereditary cancer-predisposing syndrome. Last evaluated: 2023-12-04. Review status: criteria provided, single submitter. Criteria: ACMG Guidelines, 2015. Collection method: clinical testing. Allele origin: germline.
Comment: This missense variant replaces serine with alanine at codon 259 of the MUTYH protein. Computational prediction suggests that this variant may not impact protein structure and function (internally defined REVEL score threshold <= 0.5, PMID: 27666373). To our knowledge, functional studies have not been reported for this variant. This variant has not been reported in individuals affected with MUTYH-related disorders in the literature. This variant has not been identified in the general population by the Genome Aggregation Database (gnomAD). The available evidence is insufficient to determine the role of this variant in disease conclusively. Therefore, this variant is classified as a Variant of Uncertain Significance.